The following is an entry in ClinVar:

NM_000814.6(GABRB3):c.778C>G (p.Leu260Val)

Gene: GABRB3 (gamma-aminobutyric acid type A receptor subunit beta3; minus strand). Cytogenetic location: 15q12.
Variant type: single nucleotide variant.
Coding change: c.778C>G on transcript NM_000814.6 (MANE Select); coding-DNA position 778, C replaced by G.
Protein change: p.Leu260Val; replaces leucine 260 with valine.
Molecular consequence: missense variant.
Genome position (GRCh38, 1-based): chr15:26,567,638, G>C on the plus strand (C>G on the coding strand, the complement: GABRB3 is on the minus strand). VCF-style: chr15-26567638-G-C. GRCh37 (hg19) VCF-style: chr15-26812785-G-C.
Other names: c.523C>G, p.Leu175Val (NM_001191320.2, NM_001278631.2); c.565C>G, p.Leu189Val (NM_001191321.3); c.778C>G, p.Leu260Val (NM_021912.5); short protein forms L175V, L189V, L260V.
Identifiers: ClinVar variation 1320161 (VCV001320161.1), dbSNP rs2140696722, ClinGen allele CA391463172.

ClinVar aggregate classification (germline): Likely pathogenic (1 of 4 stars; one submission).

Conditions:
Developmental and epileptic encephalopathy, 43 (DEE43). Also called: Epileptic encephalopathy, early infantile, 43. Identifiers: MedGen C4310712, MONDO:0014921, OMIM 617113.

Submission:

3billion
Classification: Likely pathogenic for Developmental and epileptic encephalopathy, 43. Last evaluated: 2021-10-02. Review status: criteria provided, single submitter. Criteria: ACMG Guidelines, 2015. Collection method: clinical testing. Allele origin: germline. Affected: yes. Observed: 1 heterozygote.
Comment: The variant was observed as assumed (i.e. paternity and maternity not confirmed) de novoo (3billion dataset, PM6). It is not observed in the gnomAD v2.1.1 dataset (PM2). Missense changes are a common disease-causing mechanism (PP2).I n silico tool predictions suggest damaging effect of the variant on gene or gene product (REVEL: 0.693, PP3). Therefore, this variant is classified as likely pathogenic according to the recommendation of ACMG/AMP guideline.